The following is an entry in ClinVar:

NM_006922.4(SCN3A):c.4289G>A (p.Arg1430Gln)

Gene: SCN3A (sodium voltage-gated channel alpha subunit 3; minus strand). Cytogenetic location: 2q24.3.
Variant type: single nucleotide variant.
Coding change: c.4289G>A on transcript NM_006922.4 (MANE Select); coding-DNA position 4289, G replaced by A.
Protein change: p.Arg1430Gln; replaces arginine 1430 with glutamine.
Molecular consequence: missense variant.
Genome position (GRCh38, 1-based): chr2:165,096,471, C>T on the plus strand (G>A on the coding strand, the complement: SCN3A is on the minus strand). VCF-style: chr2-165096471-C-T. GRCh37 (hg19) VCF-style: chr2-165952981-C-T.
Other names: c.4142G>A, p.Arg1381Gln (NM_001081676.2, NM_001081677.2); short protein forms R1381Q, R1430Q.
Identifiers: ClinVar variation 2579777 (VCV002579777.1), dbSNP rs771518960, ClinGen allele CA1938610.
Genomic context (GRCh38, chr2:165,096,471, plus strand): 5'-CCAATATTCACCATAAGAAATCTAGAACCTATAAATAATATTTGAGTGATACTTACATCT[C>T]GTGAATCAACAGCTGCATACATAATATCCATCCAGCCTTTAAATGTGGCCTGTAAATAAC-3'
Protein context (NP_008853.3, residues 1420-1440): MDIMYAAVDS[Arg1430Gln]DVKLQPVYEE

ClinVar aggregate classification (germline): Uncertain significance (1 of 4 stars; one submission).

Allele frequency attached by ClinVar (database versions not stated): gnomAD exomes below 0.00001; ExAC 0.00001.
gnomAD v4.1: 3 of 1,609,124 alleles (0.00019%); highest among the groups gnomAD compares: Non-Finnish European, 0.000085%; no homozygotes.

Submission:

GeneDx
Classification: Uncertain significance. Last evaluated: 2023-03-16. Review status: criteria provided, single submitter. Criteria: GeneDx Variant Classification Process June 2021. Collection method: clinical testing. Allele origin: germline. Affected: yes.
Comment: Not observed at significant frequency in large population cohorts (gnomAD); In silico analysis supports that this missense variant has a deleterious effect on protein structure/function; Has not been previously published as pathogenic or benign to our knowledge